The following is an entry in ClinVar:

ClinVar aggregate classification (germline): Uncertain significance (1 of 4 stars; one submission).

Conditions:
Inborn genetic diseases. Identifiers: MedGen C0950123, MeSH D030342.

Submission:

Ambry Genetics
Classification: Uncertain significance for Inborn genetic diseases. Last evaluated: 2024-08-17. Review status: criteria provided, single submitter. Criteria: Ambry Variant Classification Scheme 2023. Collection method: clinical testing. Allele origin: germline.
Comment: The p.Y1527H variant (also known as c.4579T>C), located in coding exon 32 of the LRRK2 gene, results from a T to C substitution at nucleotide position 4579. The tyrosine at codon 1527 is replaced by histidine, an amino acid with similar properties. This amino acid position is conserved. In addition, this alteration is predicted to be deleterious by in silico analysis. Based on the available evidence, the clinical significance of this variant remains unclear.

NM_198578.4(LRRK2):c.4579T>C (p.Tyr1527His)

Gene: LRRK2 (leucine rich repeat kinase 2; plus strand). Cytogenetic location: 12q12.
Variant type: single nucleotide variant.
Coding change: c.4579T>C on transcript NM_198578.4 (MANE Select); coding-DNA position 4579, T replaced by C.
Protein change: p.Tyr1527His; replaces tyrosine 1527 with histidine.
Molecular consequence: missense variant.
Genome position (GRCh38, 1-based): chr12:40,314,014, T>C. VCF-style: chr12-40314014-T-C. GRCh37 (hg19) VCF-style: chr12-40707816-T-C.
Other names: short protein forms Y1527H.
Identifiers: ClinVar variation 3540629 (VCV003540629.1).
Genomic context (GRCh38, chr12:40,314,014, plus strand): 5'-TCATTTGTAATTTCATAGATCCGAGATCAGCTTGTTGTTGGACAGCTGATTCCAGACTGC[T>C]ATGTAGAACTTGAAAAAATCATTTTATCGGAGCGTAAAAATGTGCCAATTGAATTTCCCG-3'
Protein context (NP_940980.4, residues 1517-1537): LVVGQLIPDC[Tyr1527His]VELEKIILSE